The following is an entry in ClinVar:

NM_021120.4(DLG3):c.1302+1G>A

Genes: DLG3 (discs large MAGUK scaffold protein 3; plus strand), DLG3-AS1 (DLG3 antisense RNA 1; minus strand). Cytogenetic location: Xq13.1.
Variant type: single nucleotide variant.
Coding change: c.1302+1G>A on transcript NM_021120.4 (MANE Select); the canonical splice donor site of the intron after coding-DNA position 1302, G replaced by A.
Molecular consequence: splice donor variant.
Genome position (GRCh38, 1-based): chrX:70,453,794, G>A. VCF-style: chrX-70453794-G-A. GRCh37 (hg19) VCF-style: chrX-69673644-G-A.
Other names: IVS8DS, G-A, +1; c.291+1G>A (NM_020730.3).
Identifiers: ClinVar variation 11519 (VCV000011519.4), dbSNP rs1373474125, ClinGen allele CA413456601.
Genomic context (GRCh38, chrX:70,453,794, plus strand): 5'-CTGGCAGGAGGCCCAGCTGACCTGAGTGGGGAGCTGCGCAGGGGAGACCGGATCTTATCG[G>A]TGAGGAGACAAAGGAGAGGTGGGAGGATGGGAACTGTGCCAGTCTAAAATGGAGAGCGAG-3'

ClinVar aggregate classification (germline): Pathogenic. Review status: criteria provided, single submitter (1 of 4 stars). 2 submissions from 2 submitters: Pathogenic (1). 1 of the submissions does not count toward it. Last evaluated 2026-02-28.

Conditions:
Intellectual developmental disorder, X-linked 90. Also called: DLG3-Related X-Linked Nonsyndromic Mental Retardation; Intellectual disability, X-linked 90. Identifiers: Orphanet 777, MedGen C3275443, MONDO:0010452, OMIM 300850.

Submissions (2):

GeneDx
Classification: Pathogenic. Last evaluated: 2026-02-28. Review status: criteria provided, single submitter. Criteria: GeneDx Variant Classification Process June 2021. Collection method: clinical testing. Allele origin: germline.
Comment: Canonical splice site variant predicted to result in a null allele in a gene for which loss of function is a known mechanism of disease; Not observed at significant frequency in large population cohorts (gnomAD); This variant is associated with the following publications: (PMID: 25525159, 15185169)

OMIM
Classification: Pathogenic for INTELLECTUAL DEVELOPMENTAL DISORDER, X-LINKED 90. Last evaluated: 2004-08-01. Review status: no assertion criteria provided. Collection method: literature only. Allele origin: germline. Not counted in ClinVar's aggregate classification.

Literature cited by the submitters: PubMed 15185169 (cited by OMIM).